The following is an entry in ClinVar:

NM_000204.5(CFI):c.329-2A>G

Gene: CFI (complement factor I; minus strand). Cytogenetic location: 4q25.
Variant type: single nucleotide variant.
Coding change: c.329-2A>G on transcript NM_000204.5 (MANE Select); the canonical splice acceptor site of the intron before coding-DNA position 329, A replaced by G.
Molecular consequence: splice acceptor variant. On other transcripts: intron variant (1).
Genome position (GRCh38, 1-based): chr4:109,764,692, T>C on the plus strand (A>G on the coding strand, the complement: CFI is on the minus strand). VCF-style: chr4-109764692-T-C. GRCh37 (hg19) VCF-style: chr4-110685848-T-C.
Other names: c.329-2A>G (NM_001375282.1, NM_001375280.1, NM_001375281.1 and 5 more transcripts); c.-127-3000A>G (NM_001375284.1).
Identifiers: ClinVar variation 1511292 (VCV001511292.6), dbSNP rs1727514792, ClinGen allele CA357864234.

ClinVar aggregate classification (germline): Likely pathogenic (1 of 4 stars; one submission).

Allele frequency attached by ClinVar (database versions not stated): TOPMed below 0.00001.
gnomAD v4.1: 1 of 1,612,826 alleles (0.000062%); no homozygotes.

Submission:

Labcorp Genetics (formerly Invitae), Labcorp
Classification: Likely pathogenic. Last evaluated: 2025-03-10. Review status: criteria provided, single submitter. Criteria: Invitae Variant Classification Sherloc (09022015). Collection method: clinical testing. Allele origin: germline.
Comment: This sequence change affects an acceptor splice site in intron 2 of the CFI gene. It is expected to disrupt RNA splicing. Variants that disrupt the donor or acceptor splice site typically lead to a loss of protein function (PMID: 16199547), and loss-of-function variants in CFI are known to be pathogenic (PMID: 15917334, 16621965, 19065647, 20016463, 22710145). This variant is not present in population databases (gnomAD no frequency). This variant has not been reported in the literature in individuals affected with CFI-related conditions. ClinVar contains an entry for this variant (Variation ID: 1511292). Algorithms developed to predict the effect of sequence changes on RNA splicing suggest that this variant may disrupt the consensus splice site. In summary, the currently available evidence indicates that the variant is pathogenic, but additional data are needed to prove that conclusively. Therefore, this variant has been classified as Likely Pathogenic.

Literature cited by the submitters: PubMed 16199547; PubMed 15917334; PubMed 16621965; PubMed 19065647; PubMed 20016463; PubMed 22710145.